The following is an entry in ClinVar:

NM_000350.3(ABCA4):c.6190G>A (p.Ala2064Thr)

Gene: ABCA4 (ATP binding cassette subfamily A member 4; minus strand). Cytogenetic location: 1p22.1.
Variant type: single nucleotide variant.
Coding change: c.6190G>A on transcript NM_000350.3 (MANE Select); coding-DNA position 6190, G replaced by A.
Protein change: p.Ala2064Thr; replaces alanine 2064 with threonine.
Molecular consequence: missense variant.
Genome position (GRCh38, 1-based): chr1:94,001,950, C>T on the plus strand (G>A on the coding strand, the complement: ABCA4 is on the minus strand). VCF-style: chr1-94001950-C-T. GRCh37 (hg19) VCF-style: chr1-94467506-C-T.
Other names: c.5968G>A, p.Ala1990Thr (NM_001425324.1); short protein forms A2064T, A1990T.
Identifiers: ClinVar variation 1457651 (VCV001457651.12), dbSNP rs61753040, ClinGen allele CA956992.

ClinVar aggregate classification (germline): Pathogenic/Likely pathogenic. Review status: criteria provided, multiple submitters, no conflicts (2 of 4 stars). 4 submissions from 4 submitters: Pathogenic (3); Likely pathogenic (1). Last evaluated 2025-02-05.

Conditions:
Cone-rod dystrophy 3 (CORD3). Identifiers: Orphanet 1872, MedGen C1858806, MONDO:0011395, OMIM 604116.
Age related macular degeneration 2. Also called: MACULOPATHY, AGE-RELATED; MACULAR DEGENERATION, SENILE; MACULOPATHY, AGE-RELATED, 2. Identifiers: MedGen C3495438, MONDO:0007932, OMIM 153800.
Retinitis pigmentosa 19 (RP19). Also called: ABCA4-Related Retinitis Pigmentosa. Identifiers: Orphanet 791, MedGen C1866422, MONDO:0011137, OMIM 601718.
Severe early-childhood-onset retinal dystrophy (STGD1). Also called: Stargardt macular dystrophy; Juvenile onset macular degeneration; Stargardt disease 1; MACULAR DYSTROPHY WITH FLECKS, TYPE 1; STGD. Identifiers: Orphanet 364055, Orphanet 827, MedGen C1855465, MeSH D000080362, MONDO:0009549, OMIM 248200.
ABCA4-related disorder. Also called: ABCA4-related disorders; ABCA4-related condition. Identifiers: MedGen CN239167.

Allele frequency attached by ClinVar (database versions not stated): TOPMed below 0.00001; gnomAD 0.00001; gnomAD exomes 0.00001 and 0.00004; ExAC 0.00003.
gnomAD v4.1: 15 of 1,614,038 alleles (0.00093%); highest among the groups gnomAD compares: East Asian, 0.016%; no homozygotes.

Submissions (4):

SingHealth Duke-NUS Institute of Precision Medicine
Classification: Likely pathogenic for Severe early-childhood-onset retinal dystrophy. Last evaluated: 2025-02-05. Review status: criteria provided, single submitter. Criteria: PRISM ACMG Classification Criteria. Collection method: clinical testing. Allele origin: germline. Affected: yes.
Comment: Variant is located in a mutational hotspot where >50% of variants are pathogenic (PM1) + Homozygous allele count in gnomAD exomes and genomes are less than 0 (PM2). Other variants on the same amino acid residue have been classified as pathogenic (PM5, p.Ala2064Gly; p.Ala2064Val) + REVEL score is 0.698 (PP3)

Labcorp Genetics (formerly Invitae), Labcorp
Classification: Pathogenic. Last evaluated: 2024-12-21. Review status: criteria provided, single submitter. Criteria: Invitae Variant Classification Sherloc (09022015). Collection method: clinical testing. Allele origin: germline.
Comment: This sequence change replaces alanine, which is neutral and non-polar, with threonine, which is neutral and polar, at codon 2064 of the ABCA4 protein (p.Ala2064Thr). This variant is present in population databases (rs61753040, gnomAD 0.04%). This missense change has been observed in individual(s) with ABCA4-associated retinal dystrophies (PMID: 25474345, 26780318, 27739528, 33261146). In at least one individual the data is consistent with being in trans (on the opposite chromosome) from a pathogenic variant. ClinVar contains an entry for this variant (Variation ID: 1457651). Invitae Evidence Modeling of protein sequence and biophysical properties (such as structural, functional, and spatial information, amino acid conservation, physicochemical variation, residue mobility, and thermodynamic stability) indicates that this missense variant is expected to disrupt ABCA4 protein function with a positive predictive value of 95%. For these reasons, this variant has been classified as Pathogenic.

Blueprint Genetics
Classification: Pathogenic for ABCA4-related disorders. Last evaluated: 2021-10-14. Review status: criteria provided, single submitter. Criteria: ACMG Guidelines, 2015. Collection method: clinical testing. Allele origin: germline. Affected: yes. Observed: 1 variant allele.

Juno Genomics, Hangzhou Juno Genomics, Inc
Classification: Pathogenic for Age related macular degeneration 2; Cone-rod dystrophy 3; Severe early-childhood-onset retinal dystrophy; Retinitis pigmentosa 19. Review status: criteria provided, single submitter. Criteria: ACMG Guidelines, 2015. Collection method: clinical testing. Allele origin: germline.
Comment: Multiple lines of computational evidence support a deleterious effect on the gene or gene product.;For recessive disorders, detected in trans with a pathogenic variant.;Novel missense change at an amino acid residue where a different missense change determined to be pathogenic has been seen before.

Literature cited by the submitters: PubMed 25474345 (cited by Labcorp Genetics (formerly Invitae), Labcorp); PubMed 26780318 (cited by Labcorp Genetics (formerly Invitae), Labcorp); PubMed 27739528 (cited by Labcorp Genetics (formerly Invitae), Labcorp); PubMed 33261146 (cited by Labcorp Genetics (formerly Invitae), Labcorp).